The following is an entry in ClinVar:

NM_000553.6(WRN):c.2119A>G (p.Ser707Gly)

Gene: WRN (WRN RecQ like helicase; plus strand). Cytogenetic location: 8p12.
Variant type: single nucleotide variant.
Coding change: c.2119A>G on transcript NM_000553.6 (MANE Select); coding-DNA position 2119, A replaced by G.
Protein change: p.Ser707Gly; replaces serine 707 with glycine.
Molecular consequence: missense variant.
Genome position (GRCh38, 1-based): chr8:31,111,645, A>G. VCF-style: chr8-31111645-A-G. GRCh37 (hg19) VCF-style: chr8-30969161-A-G.
Other names: short protein forms S707G.
Identifiers: ClinVar variation 458406 (VCV000458406.11), dbSNP rs761240520, ClinGen allele CA4704651.

ClinVar aggregate classification (germline): Pathogenic/Likely pathogenic. Review status: criteria provided, multiple submitters, no conflicts (2 of 4 stars). 2 submissions from 2 submitters: Pathogenic (1); Likely pathogenic (1). Last evaluated 2025-12-21.

Conditions:
Werner syndrome (WRN). Identifiers: Orphanet 902, MedGen C0043119, MONDO:0010196, OMIM 277700.

Allele frequency attached by ClinVar (database versions not stated): gnomAD exomes 0.00001.
gnomAD v4.1: 10 of 1,614,060 alleles (0.00062%); highest among the groups gnomAD compares: East Asian, 0.0022%; no homozygotes.

Submissions (2):

Labcorp Genetics (formerly Invitae), Labcorp
Classification: Pathogenic for Werner syndrome. Last evaluated: 2025-12-21. Review status: criteria provided, single submitter. Criteria: Invitae Variant Classification Sherloc (09022015). Collection method: clinical testing. Allele origin: germline.
Comment: This sequence change replaces serine, which is neutral and polar, with glycine, which is neutral and non-polar, at codon 707 of the WRN protein (p.Ser707Gly). RNA analysis indicates that this missense change induces altered splicing and may result in an absent or altered protein product. This variant is present in population databases (rs761240520, gnomAD 0.01%). This variant has not been reported in the literature in individuals affected with WRN-related conditions. ClinVar contains an entry for this variant (Variation ID: 458406). An algorithm developed to predict the effect of missense changes on protein structure and function outputs the following: PolyPhen-2: "Benign". The glycine amino acid residue is found in multiple mammalian species, which suggests that this missense change does not adversely affect protein function. Studies have shown that this missense change results in activation of a cryptic splice site, and produces a non-functional protein and/or introduces a premature termination codon (internal data). For these reasons, this variant has been classified as Pathogenic.

Women's Health and Genetics/Laboratory Corporation of America, LabCorp
Classification: Likely pathogenic for Werner syndrome. Last evaluated: 2025-04-23. Review status: criteria provided, single submitter. Criteria: LabCorp Variant Classification Summary - May 2015. Collection method: clinical testing. Allele origin: germline.
Comment: Variant summary: WRN c.2119A>G (p.Ser707Gly) results in a non-conservative amino acid change located in the DEAD/DEAH box helicase domain (IPR011545) of the encoded protein sequence. Three of five in-silico tools predict a benign effect of the variant on protein function. RNA analysis indicates that this variant induces altered splicing and may result in an absent or disrupted protein product. The variant allele was found at a frequency of 1.2e-05 in 251398 control chromosomes. To our knowledge, no occurrence of c.2119A>G in individuals affected with Werner Syndrome has been reported. Studies have shown that this variant results in activation of a cryptic splice site and introduces a premature terminination codon (Labcorp, formerly Invitae). ClinVar contains an entry for this variant (Variation ID: 458406). Based on the evidence outlined above, the variant was classified as likely pathogenic.